The following is an entry in ClinVar:

ClinVar aggregate classification (germline): Likely benign. Review status: criteria provided, multiple submitters, no conflicts (2 of 4 stars). 3 submissions from 3 submitters: Likely benign (3). Last evaluated 2025-02-01.

Allele frequency attached by ClinVar (database versions not stated): gnomAD 0.00001; TOPMed 0.00001; ExAC 0.00002; gnomAD exomes 0.00003.
gnomAD v4.1: 44 of 1,614,102 alleles (0.0027%); highest among the groups gnomAD compares: Non-Finnish European, 0.0035%; no homozygotes.

Submissions (3):

CeGaT Center for Human Genetics Tuebingen
Classification: Likely benign. Last evaluated: 2025-02-01. Review status: criteria provided, single submitter. Criteria: CeGaT Center For Human Genetics Tuebingen Variant Classification Criteria Version 2. Collection method: clinical testing. Allele origin: germline. Affected: yes. Observed: 2 variant alleles.
Comment: RINT1: BP4, BP7

Labcorp Genetics (formerly Invitae), Labcorp
Classification: Likely benign. Last evaluated: 2024-05-18. Review status: criteria provided, single submitter. Criteria: Invitae Variant Classification Sherloc (09022015). Collection method: clinical testing. Allele origin: germline.

Ambry Genetics
Classification: Likely benign. Last evaluated: 2022-03-09. Review status: criteria provided, single submitter. Criteria: Ambry Variant Classification Scheme 2023. Collection method: clinical testing. Allele origin: germline.

NM_021930.6(RINT1):c.807A>G (p.Thr269=)

Gene: RINT1 (RAD50 interactor 1; plus strand). Cytogenetic location: 7q22.3.
Variant type: single nucleotide variant.
Coding change: c.807A>G on transcript NM_021930.6 (MANE Select); coding-DNA position 807, A replaced by G.
Protein change: p.Thr269=; no amino-acid change (threonine 269 retained).
Molecular consequence: synonymous variant. On other transcripts: 5 prime UTR variant (2), non-coding transcript variant (1), intron variant (1).
Genome position (GRCh38, 1-based): chr7:105,547,301, A>G. VCF-style: chr7-105547301-A-G. GRCh37 (hg19) VCF-style: chr7-105187748-A-G.
Other names: c.573A>G, p.Thr191= (NM_001346599.2); c.-213A>G (NM_001346600.2); c.-116A>G (NM_001346601.2); c.-27-2754A>G (NM_001346603.2).
Identifiers: ClinVar variation 705039 (VCV000705039.37), dbSNP rs775794104, ClinGen allele CA4426532.
Genomic context (GRCh38, chr7:105,547,301, plus strand): 5'-ACAAACTGTTGGCTTAAGTCGACCTGCCAGTGCCCCGGAGATATACAGTTACCTGGAGAC[A>G]CTGTTTTGTCAGCTTTTGAAACTACAAACCTCGTATCTTTGTTGCAGCTGAAAACTTACT-3'
Protein context (NP_068749.3, residues 259-279): SAPEIYSYLE[Thr269=]LFCQLLKLQT